The following is an entry in ClinVar:

NM_001267550.2(TTN):c.669+1G>T

Gene: TTN (titin; minus strand). Cytogenetic location: 2q31.2.
Variant type: single nucleotide variant.
Coding change: c.669+1G>T on transcript NM_001267550.2 (MANE Select); the canonical splice donor site of the intron after coding-DNA position 669, G replaced by T.
Molecular consequence: splice donor variant.
Genome position (GRCh38, 1-based): chr2:178,799,824, C>A on the plus strand (G>T on the coding strand, the complement: TTN is on the minus strand). VCF-style: chr2-178799824-C-A. GRCh37 (hg19) VCF-style: chr2-179664551-C-A.
Other names: c.669+1G>T (NM_003319.4, NM_133437.4, NM_133432.3 and 3 more transcripts).
Identifiers: ClinVar variation 2451865 (VCV002451865.6), dbSNP rs1574982376, ClinGen allele CA349524639.
Genomic context (GRCh38, chr2:178,799,824, plus strand): 5'-GAGGAATAGCTGGGGACGCAACAGCCTGAAAGGCTTGAAAACCAACAGTATAGAAAAATA[C>A]CTTTTCAATTCGGGTTTGTCTTGATTCTGAGATCTGAGCAGTCGAAACAATTGTCTTTGT-3'

ClinVar aggregate classification (germline): Likely pathogenic. Review status: criteria provided, multiple submitters, no conflicts (2 of 4 stars). 2 submissions from 2 submitters: Likely pathogenic (2). Last evaluated 2025-02-21.

Conditions:
Autosomal recessive limb-girdle muscular dystrophy type 2J (LGMDR10). Also called: Limb-girdle muscular dystrophy, type 2J; MUSCULAR DYSTROPHY, LIMB-GIRDLE, AUTOSOMAL RECESSIVE 10. Identifiers: Orphanet 140922, MedGen C1837342, MONDO:0012127, OMIM 608807.
Dilated cardiomyopathy 1G (CMD1G). Identifiers: Orphanet 154, MedGen C1858763, MONDO:0011400, OMIM 604145.
Cardiovascular phenotype. Identifiers: MedGen CN230736.

gnomAD v4.1: 1 of 1,614,120 alleles (0.000062%); highest among the groups gnomAD compares: Admixed American, 0.0017%; no homozygotes.

Submissions (2):

Ambry Genetics
Classification: Likely pathogenic for Cardiovascular phenotype. Last evaluated: 2025-02-21. Review status: criteria provided, single submitter. Criteria: Ambry Variant Classification Scheme 2023. Collection method: clinical testing. Allele origin: germline.
Comment: The c.669+1G>T intronic variant results from a G to T substitution one nucleotide after coding exon 4 of the TTN gene. This exon is located in the Z-disk region of the N2-B isoform of the titin protein and is constitutively expressed in TTN transcripts (percent spliced in or PSI 100%). This variant is considered to be rare based on population cohorts in the Genome Aggregation Database (gnomAD). This nucleotide position is highly conserved in available vertebrate species. In silico splice site analysis predicts that this alteration will weaken the native splice donor site. This variant disrupts the canonical splice site and is expected to cause aberrant splicing, resulting in an abnormal protein or a transcript that is subject to nonsense-mediated mRNA decay. While loss of function variants in TTN are present in 1-3% of the general population, truncating variants (a category that includes canonical splice site variants) in the A-band are the most common cause of dilated cardiomyopathy (DCM) (Herman DS et al. N. Engl. J. Med., 2012 Feb;366:619-28; Roberts AM et al. Sci Transl Med, 2015 Jan;7:270ra6). TTN truncating variants encoded in constitutive exons (PSI >90%) have been found to be significantly associated with DCM regardless of their position in titin (Schafer S et al. Nat. Genet., 2017 01;49:46-53; Akhtar MM et al. Circ Heart Fail, 2020 Oct;13:e006832; Massier M et al. Clin Genet, 2025 Jan). Based on the majority of available evidence to date, this variant is likely to be pathogenic.

Labcorp Genetics (formerly Invitae), Labcorp
Classification: Likely pathogenic for Dilated cardiomyopathy 1G; Autosomal recessive limb-girdle muscular dystrophy type 2J. Last evaluated: 2024-11-04. Review status: criteria provided, single submitter. Criteria: Invitae Variant Classification Sherloc (09022015). Collection method: clinical testing. Allele origin: germline.
Comment: This sequence change affects a donor splice site in intron 5 of the TTN gene. It is expected to disrupt RNA splicing and likely results in a truncated or disrupted TTN protein. This variant is not present in population databases (gnomAD no frequency). This variant has not been reported in the literature in individuals affected with TTN-related conditions. ClinVar contains an entry for this variant (Variation ID: 2451865). Algorithms developed to predict the effect of sequence changes on RNA splicing suggest that this variant may disrupt the consensus splice site. This variant is located in the Z band of TTN (PMID: 25589632). Truncating variants in this region have been reported in individuals affected with autosomal recessive centronuclear myopathy (PMID: 33449170, internal data). Truncating variants in this region have also been identified in individuals affected with autosomal dominant dilated cardiomyopathy and/or cardio-related conditions (PMID: 27869827, 32964742, internal data). In summary, the currently available evidence indicates that the variant is pathogenic, but additional data are needed to prove that conclusively. Therefore, this variant has been classified as Likely Pathogenic.

Literature cited by the submitters: PubMed 25589632 (cited by Labcorp Genetics (formerly Invitae), Labcorp); PubMed 33449170 (cited by Labcorp Genetics (formerly Invitae), Labcorp); PubMed 27869827 (cited by Labcorp Genetics (formerly Invitae), Labcorp); PubMed 32964742 (cited by Labcorp Genetics (formerly Invitae), Labcorp).